The following is an entry in ClinVar:

NM_000138.5(FBN1):c.4280dup (p.Tyr1427Ter)

Genes: FBN1 (fibrillin 1; minus strand), LOC126862124 (CDK7 strongly-dependent group 2 enhancer GRCh37_chr15:48764566-48765765; plus strand). Cytogenetic location: 15q21.1.
Variant type: Duplication.
Coding change: c.4280dup on transcript NM_000138.5 (MANE Select); coding-DNA position 4280, one base duplicated (A; older notation c.4280dupA).
Protein change: p.Tyr1427Ter; replaces tyrosine 1427 with a stop codon.
Molecular consequence: nonsense.
Genome position (GRCh38, 1-based): chr15:48,472,607, T duplicated on the plus strand (A on the coding strand, the reverse complement: FBN1 is on the minus strand). VCF-style (leftmost placement, unchanged base first): chr15-48472606-G-GT. GRCh37 (hg19) VCF-style: chr15-48764803-G-GT.
Other names: c.4280dup, p.Tyr1427Ter (NM_001406716.1); short protein forms Y1427*.
Identifiers: ClinVar variation 2946184 (VCV002946184.3), dbSNP rs2505513376, ClinGen allele CA2740096592.

ClinVar aggregate classification (germline): Pathogenic (1 of 4 stars; one submission).

Conditions:
Marfan syndrome (MFS). Also called: MARFAN SYNDROME, TYPE I; Marfan syndrome type 1; Marfan's syndrome; Marfan syndrome, classic; FBN1-Related Marfan Syndrome. Identifiers: Orphanet 284963, Orphanet 558, MedGen C0024796, MONDO:0007947, OMIM 154700.
Familial thoracic aortic aneurysm and aortic dissection (TAAD). Also called: Thoracic aortic aneurysms and dissections. Identifiers: Orphanet 91387, MedGen C4707243, MONDO:0019625.

Submission:

Labcorp Genetics (formerly Invitae), Labcorp
Classification: Pathogenic for Marfan syndrome; Familial thoracic aortic aneurysm and aortic dissection. Last evaluated: 2023-04-06. Review status: criteria provided, single submitter. Criteria: Invitae Variant Classification Sherloc (09022015). Collection method: clinical testing. Allele origin: germline.
Comment: This sequence change creates a premature translational stop signal (p.Tyr1427*) in the FBN1 gene. It is expected to result in an absent or disrupted protein product. Loss-of-function variants in FBN1 are known to be pathogenic (PMID: 17657824, 19293843). This variant is not present in population databases (gnomAD no frequency). This variant has not been reported in the literature in individuals affected with FBN1-related conditions. For these reasons, this variant has been classified as Pathogenic.

Literature cited by the submitters: PubMed 17657824; PubMed 19293843.